The following is an entry in ClinVar:

NM_194277.3(FRMD7):c.1911G>A (p.Met637Ile)

Gene: FRMD7 (FERM domain containing 7; minus strand). Cytogenetic location: Xq26.2.
Variant type: single nucleotide variant.
Coding change: c.1911G>A on transcript NM_194277.3 (MANE Select); coding-DNA position 1911, G replaced by A.
Protein change: p.Met637Ile; replaces methionine 637 with isoleucine.
Molecular consequence: missense variant.
Genome position (GRCh38, 1-based): chrX:132,078,106, C>T on the plus strand (G>A on the coding strand, the complement: FRMD7 is on the minus strand). VCF-style: chrX-132078106-C-T. GRCh37 (hg19) VCF-style: chrX-131212134-C-T.
Other names: c.1866G>A, p.Met622Ile (NM_001306193.2); short protein forms M622I, M637I.
Identifiers: ClinVar variation 2804547 (VCV002804547.3), dbSNP rs1243774772, ClinGen allele CA414678025.

ClinVar aggregate classification (germline): Uncertain significance (1 of 4 stars; one submission).

Allele frequency attached by ClinVar (database versions not stated): gnomAD exomes below 0.00001.
gnomAD v4.1: 2 of 1,210,983 alleles (0.00017%); highest among the groups gnomAD compares: Admixed American, 0.0043%; no homozygotes.

Submission:

Labcorp Genetics (formerly Invitae), Labcorp
Classification: Uncertain significance. Last evaluated: 2025-10-01. Review status: criteria provided, single submitter. Criteria: Invitae Variant Classification Sherloc (09022015). Collection method: clinical testing. Allele origin: germline.
Comment: This sequence change replaces methionine, which is neutral and non-polar, with isoleucine, which is neutral and non-polar, at codon 637 of the FRMD7 protein (p.Met637Ile). This variant is present in population databases (no rsID available, gnomAD 0.004%). This variant has not been reported in the literature in individuals affected with FRMD7-related conditions. ClinVar contains an entry for this variant (Variation ID: 2804547). An algorithm developed to predict the effect of missense changes on protein structure and function outputs the following: PolyPhen-2: "Benign". The isoleucine amino acid residue is found in multiple mammalian species, which suggests that this missense change does not adversely affect protein function. In summary, the available evidence is currently insufficient to determine the role of this variant in disease. Therefore, it has been classified as a Variant of Uncertain Significance.